The following is an entry in ClinVar:

ClinVar aggregate classification (germline): Pathogenic/Likely pathogenic. Review status: criteria provided, multiple submitters, no conflicts (2 of 4 stars). 3 submissions from 3 submitters: Pathogenic (1); Likely pathogenic (2). Last evaluated 2024-04-02.

Conditions:
Glycogen storage disease IXb (GSD9B). Also called: GLYCOGENOSIS OF LIVER AND MUSCLE, AUTOSOMAL RECESSIVE; GSD IXb; PHOSPHORYLASE KINASE DEFICIENCY OF LIVER AND MUSCLE, AUTOSOMAL RECESSIVE. Identifiers: Orphanet 79240, MedGen C0543514, MONDO:0009868, OMIM 261750.

Submissions (3):

Fulgent Genetics
Classification: Likely pathogenic for Glycogen storage disease IXb. Last evaluated: 2024-04-02. Review status: criteria provided, single submitter. Criteria: ACMG Guidelines, 2015. Collection method: clinical testing. Allele origin: germline.

Laboratorio de Genetica e Diagnostico Molecular, Hospital Israelita Albert Einstein
Classification: Pathogenic for Glycogen storage disease IXb. Last evaluated: 2022-10-31. Review status: criteria provided, single submitter. Criteria: ACMG Guidelines, 2015. Collection method: clinical testing. Allele origin: germline. Affected: yes. Observed: 1 variant allele.
Comment: ACMG classification criteria: PVS1 very strong

GeneDx
Classification: Likely pathogenic. Last evaluated: 2019-12-30. Review status: criteria provided, single submitter. Criteria: GeneDx Variant Classification Process June 2021. Collection method: clinical testing. Allele origin: germline. Affected: yes.
Comment: Frameshift variant predicted to result in protein truncation or nonsense mediated decay in a gene for which loss-of-function is a known mechanism of disease; Not observed in large population cohorts (Lek et al., 2016); Has not been previously published as pathogenic or benign to our knowledge

NM_000293.3(PHKB):c.570_576delinsAC (p.Gln191fs)

Gene: PHKB (phosphorylase kinase regulatory subunit beta; plus strand). Cytogenetic location: 16q12.1.
Variant type: Indel.
Coding change: c.570_576delinsAC on transcript NM_000293.3 (MANE Select); coding-DNA positions 570 to 576, CCAGATT replaced by AC.
Protein change: p.Gln191fs; shifts the reading frame from glutamine 191.
Molecular consequence: frameshift variant.
Genome position (GRCh38, 1-based): chr16:47,515,577-47,515,583, CCAGATT replaced by AC. VCF-style: chr16-47515577-CCAGATT-AC. GRCh37 (hg19) VCF-style: chr16-47549488-CCAGATT-AC.
Other names: c.549_555delinsAC, p.Gln184fs (NM_001031835.3); c.570_576delinsAC, p.Gln191fs (NM_001363837.1); short protein forms Q184fs, Q191fs.
Identifiers: ClinVar variation 1186084 (VCV001186084.4), dbSNP rs2151651792, ClinGen allele CA2499223527.